The following is an entry in ClinVar:

ClinVar aggregate classification (germline): Pathogenic (1 of 4 stars; one submission).

Conditions:
Anophthalmia-microphthalmia syndrome. Also called: Anophthalmia/Microphthalmia; Anophthalmia - microphthalmia. Identifiers: Orphanet 98555, MedGen C5680330, MONDO:0020147.

Submission:

Labcorp Genetics (formerly Invitae), Labcorp
Classification: Pathogenic for Anophthalmia-microphthalmia syndrome. Last evaluated: 2022-12-15. Review status: criteria provided, single submitter. Criteria: Invitae Variant Classification Sherloc (09022015). Collection method: clinical testing. Allele origin: germline.
Comment: For these reasons, this variant has been classified as Pathogenic. This variant disrupts a region of the OTX2 protein in which other variant(s) (p.Ala236Ser) have been determined to be pathogenic (Invitae). This suggests that this is a clinically significant region of the protein, and that variants that disrupt it are likely to be disease-causing. This variant has not been reported in the literature in individuals affected with OTX2-related conditions. This variant is not present in population databases (gnomAD no frequency). This sequence change creates a premature translational stop signal (p.Gln211*) in the OTX2 gene. While this is not anticipated to result in nonsense mediated decay, it is expected to disrupt the last 79 amino acid(s) of the OTX2 protein.

NM_021728.4(OTX2):c.655C>T (p.Gln219Ter)

Gene: OTX2 (orthodenticle homeobox 2; minus strand). Cytogenetic location: 14q22.3.
Variant type: single nucleotide variant.
Coding change: c.655C>T on transcript NM_021728.4 (MANE Select); coding-DNA position 655, C replaced by T.
Protein change: p.Gln219Ter; replaces glutamine 219 with a stop codon.
Molecular consequence: nonsense. On other transcripts: non-coding transcript variant (2).
Genome position (GRCh38, 1-based): chr14:56,801,974, G>A on the plus strand (C>T on the coding strand, the complement: OTX2 is on the minus strand). VCF-style: chr14-56801974-G-A. GRCh37 (hg19) VCF-style: chr14-57268692-G-A.
Other names: c.631C>T, p.Gln211Ter (NM_001270523.2, NM_001270524.2, NM_172337.3); c.655C>T, p.Gln219Ter (NM_001270525.2); short protein forms Q219*, Q211*.
Identifiers: ClinVar variation 2812075 (VCV002812075.3), dbSNP rs754929157, ClinGen allele CA390051395.